The following is an entry in ClinVar:

NM_152743.4(BRAT1):c.1007G>A (p.Gly336Glu)

Gene: BRAT1 (BRCA1 associated ATM activator 1; minus strand). Cytogenetic location: 7p22.3.
Variant type: single nucleotide variant.
Coding change: c.1007G>A on transcript NM_152743.4 (MANE Select); coding-DNA position 1007, G replaced by A.
Protein change: p.Gly336Glu; replaces glycine 336 with glutamic acid.
Molecular consequence: missense variant. On other transcripts: non-coding transcript variant (1).
Genome position (GRCh38, 1-based): chr7:2,542,128, C>T on the plus strand (G>A on the coding strand, the complement: BRAT1 is on the minus strand). VCF-style: chr7-2542128-C-T. GRCh37 (hg19) VCF-style: chr7-2581762-C-T.
Other names: c.1007G>A, p.Gly336Glu (NM_001350626.2); c.482G>A, p.Gly161Glu (NM_001350627.2); short protein forms G161E, G336E.
Identifiers: ClinVar variation 959481 (VCV000959481.9), dbSNP rs1364970101, ClinGen allele CA366630186.

ClinVar aggregate classification (germline): Uncertain significance (1 of 4 stars; one submission).

Conditions:
Neonatal-onset encephalopathy with rigidity and seizures. Also called: Lethal neonatal spasticity-epileptic encephalopathy syndrome. Identifiers: Orphanet 435845, MedGen C3281029, MONDO:0013784, OMIM 614498.

Submission:

Labcorp Genetics (formerly Invitae), Labcorp
Classification: Uncertain significance for Neonatal-onset encephalopathy with rigidity and seizures. Last evaluated: 2020-01-21. Review status: criteria provided, single submitter. Criteria: Invitae Variant Classification Sherloc (09022015). Collection method: clinical testing. Allele origin: germline.
Comment: This sequence change replaces glycine with glutamic acid at codon 336 of the BRAT1 protein (p.Gly336Glu). The glycine residue is highly conserved and there is a moderate physicochemical difference between glycine and glutamic acid. The frequency data for this variant in the population databases is considered unreliable, as metrics indicate insufficient coverage at this position in the ExAC database. This variant has not been reported in the literature in individuals with BRAT1-related conditions. Algorithms developed to predict the effect of missense changes on protein structure and function are either unavailable or do not agree on the potential impact of this missense change (SIFT: "Tolerated"; PolyPhen-2: "Possibly Damaging"; Align-GVGD: "Class C0"). In summary, the available evidence is currently insufficient to determine the role of this variant in disease. Therefore, it has been classified as a Variant of Uncertain Significance.